The following is an entry in ClinVar:

ClinVar aggregate classification (germline): Uncertain significance (1 of 4 stars; one submission).

Submission:

GeneDx
Classification: Uncertain significance. Last evaluated: 2024-10-16. Review status: criteria provided, single submitter. Criteria: GeneDx Variant Classification Process June 2021. Collection method: clinical testing. Allele origin: germline. Affected: yes.
Comment: Not observed at significant frequency in large population cohorts (gnomAD); In silico analysis indicates that this missense variant does not alter protein structure/function; Has not been previously published as pathogenic or benign to our knowledge

NM_173630.4(RTTN):c.3907A>G (p.Ile1303Val)

Gene: RTTN (rotatin; minus strand). Cytogenetic location: 18q22.2.
Variant type: single nucleotide variant.
Coding change: c.3907A>G on transcript NM_173630.4 (MANE Select); coding-DNA position 3907, A replaced by G.
Protein change: p.Ile1303Val; replaces isoleucine 1303 with valine.
Molecular consequence: missense variant.
Genome position (GRCh38, 1-based): chr18:70,092,801, T>C on the plus strand (A>G on the coding strand, the complement: RTTN is on the minus strand). VCF-style: chr18-70092801-T-C. GRCh37 (hg19) VCF-style: chr18-67760037-T-C.
Other names: c.1171A>G, p.Ile391Val (NM_001318520.2); short protein forms I1303V, I391V.
Identifiers: ClinVar variation 3781058 (VCV003781058.1).